The following is an entry in ClinVar:

ClinVar aggregate classification (germline): Uncertain significance (1 of 4 stars; one submission).

Allele frequency attached by ClinVar (database versions not stated): gnomAD exomes below 0.00001.

Submission:

Women's Health and Genetics/Laboratory Corporation of America, LabCorp
Classification: Uncertain significance. Last evaluated: 2023-03-30. Review status: criteria provided, single submitter. Criteria: LabCorp Variant Classification Summary - May 2015. Collection method: clinical testing. Allele origin: germline.
Comment: Variant summary: GUSB c.1786delC (p.Gln596SerfsX44) results in a premature termination codon, predicted to cause a truncation of the encoded protein. Truncations downstream of this position have not been classified as pathogenic by our laboratory. At-least one stop gain variant downstream from this position have been classified VUS in ClinVar (CV ID:1962283, p.Gln643Ter). The variant was absent in 251432 control chromosomes (gnomAD). To our knowledge, no occurrence of c.1786delC in individuals affected with Mucopolysaccharidosis Type VII (Sly Syndrome) and no experimental evidence demonstrating its impact on protein function have been reported. No clinical diagnostic laboratories have submitted clinical-significance assessments for this variant to ClinVar after 2014. Based on the evidence outlined above, the variant was classified as uncertain significance.

NM_000181.4(GUSB):c.1786del (p.Gln596fs)

Gene: GUSB (glucuronidase beta; minus strand). Cytogenetic location: 7q11.21.
Variant type: Deletion.
Coding change: c.1786del on transcript NM_000181.4 (MANE Select); coding-DNA position 1786, one base deleted (C; older notation c.1786delC).
Protein change: p.Gln596fs; shifts the reading frame from glutamine 596.
Molecular consequence: frameshift variant. On other transcripts: non-coding transcript variant (1).
Genome position (GRCh38, 1-based): chr7:65,964,326, G deleted on the plus strand (C on the coding strand, the reverse complement: GUSB is on the minus strand). VCF-style (leftmost placement, unchanged base first): chr7-65964325-TG-T. GRCh37 (hg19) VCF-style: chr7-65429312-TG-T.
Other names: c.1348del, p.Gln450fs (NM_001284290.2); c.1216del, p.Gln406fs (NM_001293104.2); c.1129del, p.Gln377fs (NM_001293105.2); short protein forms Q377fs, Q406fs, Q450fs, Q596fs.
Identifiers: ClinVar variation 2501050 (VCV002501050.1), dbSNP rs2484748427, ClinGen allele CA2580615895.